The following is an entry in ClinVar:

NM_001003694.2(BRPF1):c.2421G>C (p.Gln807His)

Gene: BRPF1 (bromodomain and PHD finger containing 1; plus strand). Cytogenetic location: 3p25.3.
Variant type: single nucleotide variant.
Coding change: c.2421G>C on transcript NM_001003694.2 (MANE Select); coding-DNA position 2421, G replaced by C.
Protein change: p.Gln807His; replaces glutamine 807 with histidine.
Molecular consequence: missense variant. On other transcripts: non-coding transcript variant (1).
Genome position (GRCh38, 1-based): chr3:9,743,687, G>C. VCF-style: chr3-9743687-G-C. GRCh37 (hg19) VCF-style: chr3-9785371-G-C.
Other names: c.2403G>C, p.Gln801His (NM_001319049.2, NM_001437892.1, NM_004634.3); c.2400G>C, p.Gln800His (NM_001319050.2, NM_001438342.1, NM_001438343.1 and 1 more transcripts); c.2418G>C, p.Gln806His (NM_001410704.1, NM_001438345.1); c.2421G>C, p.Gln807His (NM_001438344.1); c.2421G>C (NM_001003694.1); short protein forms Q800H, Q801H, Q806H, Q807H.
Identifiers: ClinVar variation 4084727 (VCV004084727.8).

ClinVar aggregate classification (germline): Likely benign. Review status: criteria provided, multiple submitters, no conflicts (2 of 4 stars). 2 submissions from 2 submitters: Likely benign (2). Last evaluated 2025-12-09.

Conditions:
Inborn genetic diseases. Identifiers: MedGen C0950123, MeSH D030342.

gnomAD v4.1: 378 of 1,614,110 alleles (0.023%); highest among the groups gnomAD compares: Non-Finnish European, 0.031%; no homozygotes.

Submissions (2):

Ambry Genetics
Classification: Likely benign for Inborn genetic diseases. Last evaluated: 2025-12-09. Review status: criteria provided, single submitter. Criteria: Ambry Variant Classification Scheme 2023. Collection method: clinical testing. Allele origin: germline.

CeGaT Center for Human Genetics Tuebingen
Classification: Likely benign. Last evaluated: 2025-08-01. Review status: criteria provided, single submitter. Criteria: CeGaT Center For Human Genetics Tuebingen Variant Classification Criteria Version 2. Collection method: clinical testing. Allele origin: germline. Affected: yes. Observed: 1 variant allele.
Comment: BRPF1: BP4